The following is an entry in ClinVar:

ClinVar aggregate classification (germline): Conflicting classifications of pathogenicity. Review status: criteria provided, conflicting classifications (1 of 4 stars). 2 submissions from 2 submitters: Likely pathogenic (1); Uncertain significance (1). Last evaluated 2023-08-29.

Conditions:
Argininosuccinate lyase deficiency. Also called: ARGININOSUCCINIC ACID LYASE DEFICIENCY; Argininosuccinic aciduria; ASL DEFICIENCY. Identifiers: Orphanet 23, MedGen C0268547, MONDO:0008815, OMIM 207900, HP:0025630.

Allele frequency attached by ClinVar (database versions not stated): TOPMed 0.00001.

Submissions (2):

Women's Health and Genetics/Laboratory Corporation of America, LabCorp
Classification: Uncertain significance. Last evaluated: 2023-08-29. Review status: criteria provided, single submitter. Criteria: LabCorp Variant Classification Summary - May 2015. Collection method: clinical testing. Allele origin: germline.
Comment: Variant summary: ASL c.434A>G (p.Asp145Gly) results in a non-conservative amino acid change located in the Fumarate lyase, N-terminal domain (IPR022761) of the encoded protein sequence. Three of five in-silico tools predict a damaging effect of the variant on protein function. Several computational tools predict a significant impact on normal splicing: Three predict the variant creates a cryptic 5 donor site. In addition, Wen_2016 showed this variant led to the skipping of exon 5. The variant was absent in 249972 control chromosomes (gnomAD). c.434A>G has been reported in the literature in individuals affected with Argininosuccinic Aciduria (Wen_2014, Wen_2016). These data indicate that the variant may be associated with disease. To our knowledge, no experimental evidence demonstrating an impact on protein function has been reported. The following publications have been ascertained in the context of this evaluation (PMID: 31183366, 26843370, 24927999). No submitters have cited clinical-significance assessments for this variant to ClinVar after 2014. Based on the evidence outlined above, the variant was classified as VUS-possibly pathogenic.

Baylor Genetics
Classification: Likely pathogenic for Argininosuccinate lyase deficiency. Last evaluated: 2023-03-23. Review status: criteria provided, single submitter. Criteria: ACMG Guidelines, 2015. Collection method: clinical testing. Allele origin: unknown.

Literature cited by the submitters: PubMed 31183366 (cited by Women's Health and Genetics/Laboratory Corporation of America, LabCorp); PubMed 26843370 (cited by Women's Health and Genetics/Laboratory Corporation of America, LabCorp); PubMed 24927999 (cited by Women's Health and Genetics/Laboratory Corporation of America, LabCorp).

NM_000048.4(ASL):c.434A>G (p.Asp145Gly)

Gene: ASL (argininosuccinate lyase; plus strand). Cytogenetic location: 7q11.21.
Variant type: single nucleotide variant.
Coding change: c.434A>G on transcript NM_000048.4 (MANE Select); coding-DNA position 434, A replaced by G.
Protein change: p.Asp145Gly; replaces aspartic acid 145 with glycine.
Molecular consequence: missense variant.
Genome position (GRCh38, 1-based): chr7:66,083,162, A>G. VCF-style: chr7-66083162-A-G. GRCh37 (hg19) VCF-style: chr7-65548149-A-G.
Other names: c.434A>G, p.Asp145Gly (NM_001024943.2, NM_001024944.2, NM_001024946.2); short protein forms D145G.
Identifiers: ClinVar variation 2581413 (VCV002581413.2), dbSNP rs1348290958, ClinGen allele CA367639521.